The following is an entry in ClinVar:

NM_133459.4(CCBE1):c.*20G>A

Gene: CCBE1 (collagen and calcium binding EGF domains 1; minus strand). Cytogenetic location: 18q21.32.
Variant type: single nucleotide variant.
Coding change: c.*20G>A on transcript NM_133459.4 (MANE Select); 20 bases downstream of the stop codon, G replaced by A.
Molecular consequence: 3 prime UTR variant.
Genome position (GRCh38, 1-based): chr18:59,435,888, C>T on the plus strand (G>A on the coding strand, the complement: CCBE1 is on the minus strand). VCF-style: chr18-59435888-C-T. GRCh37 (hg19) VCF-style: chr18-57103120-C-T.
Identifiers: ClinVar variation 892061 (VCV000892061.6), dbSNP rs372843233, ClinGen allele CA8980138.
Genomic context (GRCh38, chr18:59,435,888, plus strand): 5'-TGGTCTTTCTTCTCTTTAGATGGTTTAACTGCAGGTGAGTTGATCTTTCTCTTCCTTTGG[C>T]GTGACGGTGTTGGGATGTGCTATGGGTAGAAGTCTCTGGGGGCTCTCAAGTCTCTTGTCT-3'

ClinVar aggregate classification (germline): Uncertain significance. Review status: criteria provided, single submitter (1 of 4 stars). 2 submissions from 2 submitters: Uncertain significance (1). 1 of the submissions does not count toward it. Last evaluated 2018-01-12.

Conditions:
CCBE1-related disorder. Also called: CCBE1-related condition.
Hennekam lymphangiectasia-lymphedema syndrome 1 (HKLLS1). Also called: LYMPHATIC DYSPLASIA, GENERALIZED. Identifiers: Orphanet 2136, MedGen C4012050, MONDO:0009337, OMIM 235510.

Allele frequency attached by ClinVar (database versions not stated): gnomAD 0.00019 and 0.00021; TOPMed 0.00021; gnomAD exomes 0.00030 and 0.00043; ExAC 0.00036; ESP Exome Variant Server 0.00054.
gnomAD v4.1: 651 of 1,597,232 alleles (0.041%); highest among the groups gnomAD compares: Middle Eastern, 0.066%; 1 homozygote.

Submissions (2):

Illumina Laboratory Services, Illumina
Classification: Uncertain significance for Hennekam lymphangiectasia-lymphedema syndrome 1. Last evaluated: 2018-01-12. Review status: criteria provided, single submitter. Criteria: ICSL Variant Classification Criteria 13 December 2019. Collection method: clinical testing. Allele origin: germline.

PreventionGenetics, part of Exact Sciences
Classification: Likely benign for CCBE1-related condition. Last evaluated: 2024-01-11. Review status: no assertion criteria provided. Collection method: clinical testing. Allele origin: germline. Not counted in ClinVar's aggregate classification.
Comment: This variant is classified as likely benign based on ACMG/AMP sequence variant interpretation guidelines (Richards et al. 2015 PMID: 25741868, with internal and published modifications).